The following is an entry in ClinVar:

NM_001212.4(C1QBP):c.11T>A (p.Leu4Gln)

Genes: C1QBP (complement C1q binding protein; minus strand), LOC130060075 (ATAC-STARR-seq lymphoblastoid silent region 8070; plus strand). Cytogenetic location: 17p13.2.
Variant type: single nucleotide variant.
Coding change: c.11T>A on transcript NM_001212.4 (MANE Select); coding-DNA position 11, T replaced by A.
Protein change: p.Leu4Gln; replaces leucine 4 with glutamine.
Molecular consequence: missense variant.
Genome position (GRCh38, 1-based): chr17:5,439,063, A>T on the plus strand (T>A on the coding strand, the complement: C1QBP is on the minus strand). VCF-style: chr17-5439063-A-T. GRCh37 (hg19) VCF-style: chr17-5342383-A-T.
Other names: short protein forms L4Q.
Identifiers: ClinVar variation 2126727 (VCV002126727.4), dbSNP rs2507771946, ClinGen allele CA397374501.

ClinVar aggregate classification (germline): Uncertain significance (1 of 4 stars; one submission).

Submission:

Labcorp Genetics (formerly Invitae), Labcorp
Classification: Uncertain significance. Last evaluated: 2022-04-16. Review status: criteria provided, single submitter. Criteria: Invitae Variant Classification Sherloc (09022015). Collection method: clinical testing. Allele origin: germline.
Comment: This sequence change replaces leucine, which is neutral and non-polar, with glutamine, which is neutral and polar, at codon 4 of the C1QBP protein (p.Leu4Gln). This variant is not present in population databases (gnomAD no frequency). This variant has not been reported in the literature in individuals affected with C1QBP-related conditions. Algorithms developed to predict the effect of missense changes on protein structure and function are either unavailable or do not agree on the potential impact of this missense change (SIFT: "Deleterious"; PolyPhen-2: "Possibly Damaging"; Align-GVGD: "Class C0"). In summary, the available evidence is currently insufficient to determine the role of this variant in disease. Therefore, it has been classified as a Variant of Uncertain Significance.